The following is an entry in ClinVar:

NM_006206.6(PDGFRA):c.1158AGA[1] (p.Glu387del)

Gene: PDGFRA (platelet derived growth factor receptor alpha; plus strand). Cytogenetic location: 4q12.
Variant type: Microsatellite.
Coding change: c.1158AGA[1] on transcript NM_006206.6 (MANE Select); one copy of the 3-base unit AGA starting at c.1158; the reference has two copies in a row; one copy, 3 bases deleted; also written c.1161_1163del.
Protein change: p.Glu387del; deletes glutamic acid 387.
Genome position (GRCh38, 1-based): chr4:54,270,672-54,270,674, AGA deleted; deleting any 3 consecutive bases within chr4:54,270,667-54,270,674 gives the same sequence; the position shown is the placement nearest the transcript's 3' end. VCF-style (leftmost placement, unchanged base first): chr4-54270666-GGAA-G. GRCh37 (hg19) VCF-style: chr4-55136833-GGAA-G.
Other names: c.1161_1163del (NM_006206.6); c.1158AGA[1], p.Glu387del (NM_001347827.2, NM_001347829.2); c.1233AGA[1], p.Glu412del (NM_001347828.2); c.1197AGA[1], p.Glu400del (NM_001347830.2); short protein forms E387del, E400del, E412del.
Identifiers: ClinVar variation 4530321 (VCV004530321.1).

ClinVar aggregate classification (somatic clinical impact): Tier I - Strong (1 of 4 stars; one submission).

Conditions:
Diffuse glioma, H3 G34 mutant. Identifiers: MedGen CN377580, MONDO:0957197.

Submission:

Institute for Genomic Medicine (IGM) Clinical Laboratory, Nationwide Children's Hospital
Classification: Tier I - Strong for Diffuse glioma, H3 G34 mutant. Assertion type: diagnostic. Clinical significance: supports diagnosis. Last evaluated: 2023-01-10. Review status: criteria provided, single submitter. Criteria: AMP/ASCO/CAP Guidelines, 2017. Collection method: clinical testing. Allele origin: somatic. Affected: yes.
Comment: Variant has Tier I (strong) clinical significance as a diagnostic inclusion criterion in diffuse glioma, H3 G34 mutant, based on the following evidence: 1) Documented in one or more cancer databases (e.g., St. Jude Pecan, COSMIC, CIViC, OncoKB). 2) Diagnostic for a specific tumor type/classification based on well-powered studies with expert-level consensus (Evidence Level B; PMIDs: 24705251, 25230881, 28966033, 29763623, 24705250).

Literature cited by the submitters: PubMed 24705251; PubMed 25230881; PubMed 28966033; PubMed 29763623; PubMed 24705250.